The following is an entry in ClinVar:

NM_006019.4(TCIRG1):c.338G>T (p.Gly113Val)

Gene: TCIRG1 (T cell immune regulator 1, ATPase H+ transporting V0 subunit a3; plus strand). Cytogenetic location: 11q13.2.
Variant type: single nucleotide variant.
Coding change: c.338G>T on transcript NM_006019.4 (MANE Select); coding-DNA position 338, G replaced by T.
Protein change: p.Gly113Val; replaces glycine 113 with valine.
Molecular consequence: missense variant. On other transcripts: 5 prime UTR variant (1).
Genome position (GRCh38, 1-based): chr11:68,042,784, G>T. VCF-style: chr11-68042784-G-T. GRCh37 (hg19) VCF-style: chr11-67810251-G-T.
Other names: c.-912G>T (NM_001351059.2); short protein forms G113V.
Identifiers: ClinVar variation 2043402 (VCV002043402.3), dbSNP rs2495615478, ClinGen allele CA381576143.
Genomic context (GRCh38, chr11:68,042,784, plus strand): 5'-ACCTGCTGCGCATCCAGGAGGAGACGGAGCGCCTGGCCCAGGAGCTGCGGGATGTGCGGG[G>T]CAACCAGCAGGCCCTGCGGGCCCAGCTGCACCAGCTGCAGCTCCACGCCGCCGTGCTACG-3'
Protein context (NP_006010.2, residues 103-123): RLAQELRDVR[Gly113Val]NQQALRAQLH

ClinVar aggregate classification (germline): Uncertain significance (1 of 4 stars; one submission).

Submission:

Labcorp Genetics (formerly Invitae), Labcorp
Classification: Uncertain significance. Last evaluated: 2024-02-05. Review status: criteria provided, single submitter. Criteria: Invitae Variant Classification Sherloc (09022015). Collection method: clinical testing. Allele origin: germline.
Comment: This sequence change replaces glycine, which is neutral and non-polar, with valine, which is neutral and non-polar, at codon 113 of the TCIRG1 protein (p.Gly113Val). This variant is not present in population databases (gnomAD no frequency). This variant has not been reported in the literature in individuals affected with TCIRG1-related conditions. ClinVar contains an entry for this variant (Variation ID: 2043402). Advanced modeling of protein sequence and biophysical properties (such as structural, functional, and spatial information, amino acid conservation, physicochemical variation, residue mobility, and thermodynamic stability) performed at Invitae indicates that this missense variant is not expected to disrupt TCIRG1 protein function with a negative predictive value of 80%. In summary, the available evidence is currently insufficient to determine the role of this variant in disease. Therefore, it has been classified as a Variant of Uncertain Significance.